The following is an entry in ClinVar:

ClinVar aggregate classification (germline): Uncertain significance. Review status: criteria provided, multiple submitters, no conflicts (2 of 4 stars). 2 submissions from 2 submitters: Uncertain significance (2). Last evaluated 2024-11-01.

Allele frequency attached by ClinVar (database versions not stated): gnomAD 0.00002; ExAC 0.00003; TOPMed 0.00003.
gnomAD v4.1: 11 of 1,611,936 alleles (0.00068%); highest among the groups gnomAD compares: African/African-American, 0.004%; no homozygotes.

Submissions (2):

CeGaT Center for Human Genetics Tuebingen
Classification: Uncertain significance. Last evaluated: 2024-11-01. Review status: criteria provided, single submitter. Criteria: CeGaT Center For Human Genetics Tuebingen Variant Classification Criteria Version 2. Collection method: clinical testing. Allele origin: germline. Affected: yes. Observed: 1 variant allele.
Comment: TACC2: PM2, BP4

Ambry Genetics
Classification: Uncertain significance. Last evaluated: 2023-02-22. Review status: criteria provided, single submitter. Criteria: Ambry Variant Classification Scheme 2023. Collection method: clinical testing. Allele origin: germline.

NM_206862.4(TACC2):c.6586G>A (p.Ala2196Thr)

Gene: TACC2 (transforming acidic coiled-coil containing protein 2; plus strand). Cytogenetic location: 10q26.13.
Variant type: single nucleotide variant.
Coding change: c.6586G>A on transcript NM_206862.4 (MANE Select); coding-DNA position 6586, G replaced by A.
Protein change: p.Ala2196Thr; replaces alanine 2196 with threonine.
Molecular consequence: missense variant. On other transcripts: 5 prime UTR variant (1).
Genome position (GRCh38, 1-based): chr10:122,211,011, G>A. VCF-style: chr10-122211011-G-A. GRCh37 (hg19) VCF-style: chr10-123970526-G-A.
Other names: c.6451G>A, p.Ala2151Thr (NM_001291876.2); c.6598G>A, p.Ala2200Thr (NM_001291877.2); c.820G>A, p.Ala274Thr (NM_001291878.2, NM_006997.4, NM_206860.3); c.-303G>A (NM_001291879.2); c.1024G>A, p.Ala342Thr (NM_206861.3); short protein forms A2151T, A2200T, A274T, A342T, A2196T.
Identifiers: ClinVar variation 2470215 (VCV002470215.16), dbSNP rs763017330, ClinGen allele CA5723757.